The following is an entry in ClinVar:

ClinVar aggregate classification (germline): Likely pathogenic (1 of 4 stars; one submission).

Conditions:
Holoprosencephaly 3 (HPE3). Identifiers: Orphanet 2162, MedGen C1840529, MONDO:0007733, OMIM 142945.

Submission:

Laboratory of Molecular Genetics, CHU Rennes
Classification: Likely pathogenic for Holoprosencephaly 3. Last evaluated: 2025-02-27. Review status: criteria provided, single submitter. Criteria: ACMG Guidelines, 2015. Collection method: clinical testing. Allele origin: de novo. Inheritance: Autosomal dominant inheritance. Affected: yes.
Comment: The NM_000193.4:c.449C>G, is a missense variant in SHH in the hedgehog signalling domain (PM1), absent from controls (PM2), predicted pathogenic by prediction tools (PP3) and occurred de novo (PS2). In summary, this variant meets criteria to be classified as likely pathogenic for holoprosencephaly based on the ACMG criteria applied.

NM_000193.4(SHH):c.449C>G (p.Thr150Arg)

Gene: SHH (sonic hedgehog signaling molecule; minus strand). Cytogenetic location: 7q36.3.
Variant type: single nucleotide variant.
Coding change: c.449C>G on transcript NM_000193.4 (MANE Select); coding-DNA position 449, C replaced by G.
Protein change: p.Thr150Arg; replaces threonine 150 with arginine.
Molecular consequence: missense variant. On other transcripts: non-coding transcript variant (2).
Genome position (GRCh38, 1-based): chr7:155,806,409, G>C on the plus strand (C>G on the coding strand, the complement: SHH is on the minus strand). VCF-style: chr7-155806409-G-C. GRCh37 (hg19) VCF-style: chr7-155599103-G-C.
Other names: c.188C>G, p.Thr63Arg (NM_001310462.2); short protein forms T150R, T63R.
Identifiers: ClinVar variation 3775134 (VCV003775134.1).